The following is an entry in ClinVar:

NM_007272.3(CTRC):c.277G>C (p.Val93Leu)

Gene: CTRC (chymotrypsin C; plus strand). Cytogenetic location: 1p36.21.
Variant type: single nucleotide variant.
Coding change: c.277G>C on transcript NM_007272.3 (MANE Select); coding-DNA position 277, G replaced by C.
Protein change: p.Val93Leu; replaces valine 93 with leucine.
Molecular consequence: missense variant.
Genome position (GRCh38, 1-based): chr1:15,442,493, G>C. VCF-style: chr1-15442493-G-C. GRCh37 (hg19) VCF-style: chr1-15768989-G-C.
Other names: short protein forms V93L.
Identifiers: ClinVar variation 1795909 (VCV001795909.5), dbSNP rs760649717, ClinGen allele CA18251714.

ClinVar aggregate classification (germline): Conflicting classifications of pathogenicity. Review status: criteria provided, conflicting classifications (1 of 4 stars). 2 submissions from 2 submitters: Uncertain significance (1); Likely benign (1). Last evaluated 2024-09-12.

Conditions:
Hereditary pancreatitis (PCTT). Also called: Hereditary chronic pancreatitis; PRSS1-Related Hereditary Pancreatitis. Identifiers: Orphanet 676, MedGen C0238339, MONDO:0008185, OMIM 167800.

Allele frequency attached by ClinVar (database versions not stated): gnomAD 0.00003; TOPMed 0.00005.
gnomAD v4.1: 8 of 1,614,078 alleles (0.0005%); highest among the groups gnomAD compares: African/African-American, 0.011%; no homozygotes.

Submissions (2):

Labcorp Genetics (formerly Invitae), Labcorp
Classification: Uncertain significance for Hereditary pancreatitis. Last evaluated: 2024-09-12. Review status: criteria provided, single submitter. Criteria: Invitae Variant Classification Sherloc (09022015). Collection method: clinical testing. Allele origin: germline.
Comment: This sequence change replaces valine, which is neutral and non-polar, with leucine, which is neutral and non-polar, at codon 93 of the CTRC protein (p.Val93Leu). This variant is present in population databases (no rsID available, gnomAD 0.02%). This variant has not been reported in the literature in individuals affected with CTRC-related conditions. ClinVar contains an entry for this variant (Variation ID: 1795909). Invitae Evidence Modeling of protein sequence and biophysical properties (such as structural, functional, and spatial information, amino acid conservation, physicochemical variation, residue mobility, and thermodynamic stability) indicates that this missense variant is not expected to disrupt CTRC protein function with a negative predictive value of 80%. In summary, the available evidence is currently insufficient to determine the role of this variant in disease. Therefore, it has been classified as a Variant of Uncertain Significance.

Ambry Genetics
Classification: Likely benign for Hereditary pancreatitis. Last evaluated: 2024-02-22. Review status: criteria provided, single submitter. Criteria: Ambry Variant Classification Scheme 2023. Collection method: clinical testing. Allele origin: germline.